The following is an entry in ClinVar:

ClinVar aggregate classification (germline): Pathogenic. Review status: criteria provided, single submitter (1 of 4 stars). 2 submissions from 2 submitters: Pathogenic (1). 1 of the submissions does not count toward it. Last evaluated 2024-07-07.

Conditions:
Hereditary angioedema type 1 (HAE1). Identifiers: Orphanet 100050, Orphanet 100051, Orphanet 91378, MedGen C2717906, MONDO:0015053, OMIM 106100.

Submissions (2):

DNA-diagnostics Laboratory, Research Centre For Medical Genetics
Classification: Pathogenic for Hereditary angioedema type 1. Last evaluated: 2024-07-07. Review status: criteria provided, single submitter. Criteria: ACMG Guidelines, 2015. Collection method: research. Allele origin: germline. Inheritance: Autosomal dominant inheritance. Affected: yes. Observed: 3 variant alleles, 3 heterozygotes.
Comment: According to our observation and the published information of Xu et al., 2012, the c.1289T>A variant in SERPING1 meets ACMG/ClinGen SVI guidance criteria to be classified as pathogenic: PP4_Str, PM5, PS4_Mod, PM2_Sup, PP1, PP2, PP3

UniProtKB/Swiss-Prot
No classification provided. Review status: no classification provided. Collection method: not provided. Allele origin: not provided. Not counted in ClinVar's aggregate classification.

Literature cited by the submitters: PubMed 22994404 (cited by DNA-diagnostics Laboratory, Research Centre For Medical Genetics).

NM_000062.3(SERPING1):c.1289T>A (p.Leu430Gln)

Gene: SERPING1 (serpin family G member 1; plus strand). Cytogenetic location: 11q12.1.
Variant type: single nucleotide variant.
Coding change: c.1289T>A on transcript NM_000062.3 (MANE Select); coding-DNA position 1289, T replaced by A.
Protein change: p.Leu430Gln; replaces leucine 430 with glutamine.
Molecular consequence: missense variant.
Genome position (GRCh38, 1-based): chr11:57,614,367, T>A. VCF-style: chr11-57614367-T-A. GRCh37 (hg19) VCF-style: chr11-57381840-T-A.
Other names: c.1289T>A, p.Leu430Gln (NM_001032295.2); short protein forms L430Q.
Identifiers: ClinVar variation 68244 (VCV000068244.3), dbSNP rs281875174, ClinGen allele CA219249.